The following is an entry in ClinVar:

ClinVar aggregate classification (germline): Uncertain significance (1 of 4 stars; one submission).

Conditions:
Hereditary cancer-predisposing syndrome. Also called: Hereditary neoplastic syndrome; Neoplastic Syndromes, Hereditary; Tumor predisposition; Hereditary Cancer Syndrome. Identifiers: Orphanet 140162, MedGen C0027672, MeSH D009386, MONDO:0015356.

Submission:

Ambry Genetics
Classification: Uncertain significance for Hereditary cancer-predisposing syndrome. Last evaluated: 2025-02-04. Review status: criteria provided, single submitter. Criteria: Ambry Variant Classification Scheme 2023. Collection method: clinical testing. Allele origin: germline.
Comment: The p.L1229V variant (also known as c.3685T>G), located in coding exon 9 of the BRCA1 gene, results from a T to G substitution at nucleotide position 3685. The leucine at codon 1229 is replaced by valine, an amino acid with highly similar properties. This amino acid position is highly conserved in available vertebrate species. In addition, the in silico prediction for this alteration is inconclusive. Based on the available evidence, the clinical significance of this variant remains unclear.

NM_007294.4(BRCA1):c.3685T>G (p.Leu1229Val)

Genes: BRCA1 (BRCA1 DNA repair associated; minus strand), LOC126862571 (BRD4-independent group 4 enhancer GRCh37_chr17:41243136-41244335; plus strand). Cytogenetic location: 17q21.31.
Variant type: single nucleotide variant.
Coding change: c.3685T>G on transcript NM_007294.4 (MANE Select); coding-DNA position 3685, T replaced by G.
Protein change: p.Leu1229Val; replaces leucine 1229 with valine.
Molecular consequence: missense variant. On other transcripts: intron variant (135).
Genome position (GRCh38, 1-based): chr17:43,091,846, A>C on the plus strand (T>G on the coding strand, the complement: BRCA1 is on the minus strand). VCF-style: chr17-43091846-A-C. GRCh37 (hg19) VCF-style: chr17-41243863-A-C.
Other names: c.3472T>G, p.Leu1158Val (NM_001407571.1, NM_001407853.1, NM_001407894.1 and 9 more transcripts); c.3685T>G, p.Leu1229Val (NM_001407581.1, NM_001407582.1, NM_001407583.1 and 30 more transcripts); c.3682T>G, p.Leu1228Val (NM_001407587.1, NM_001407590.1, NM_001407591.1 and 22 more transcripts); c.3676T>G, p.Leu1226Val (NM_001407646.1, NM_001407647.1); c.3562T>G, p.Leu1188Val (NM_001407648.1, NM_001407664.1, NM_001407665.1 and 19 more transcripts); c.3559T>G, p.Leu1187Val (NM_001407649.1, NM_001407670.1, NM_001407671.1 and 11 more transcripts); c.3607T>G, p.Leu1203Val (NM_001407653.1, NM_001407654.1, NM_001407655.1 and 4 more transcripts); c.3604T>G, p.Leu1202Val (NM_001407659.1, NM_001407660.1, NM_001407661.1 and 1 more transcripts); and 41 more; short protein forms L1141V, L1158V, L1188V, L1101V, L1118V, L1159V, L1161V, L1181V.
Identifiers: ClinVar variation 3825302 (VCV003825302.1).
Genomic context (GRCh38, chr17:43,091,846, plus strand): 5'-TAGCAACGGTGCTATGCCTAGTAGACTGAGAAGGTATATTGTTTACTTTACCAAATAACA[A>C]GTGTTGGAAGCAGGGAAGCTCTTCATCCTCACTAGATAAGTTCTCTTCTGAGGACTCTAA-3'
Protein context (NP_009225.1, residues 1219-1239): EDEELPCFQH[Leu1229Val]LFGKVNNIPS